The following is an entry in ClinVar:

ClinVar aggregate classification (germline): Uncertain significance (1 of 4 stars; one submission).

Submission:

GeneDx
Classification: Uncertain significance. Last evaluated: 2023-11-19. Review status: criteria provided, single submitter. Criteria: GeneDx Variant Classification Process June 2021. Collection method: clinical testing. Allele origin: germline. Affected: yes.
Comment: Not observed at significant frequency in large population cohorts (gnomAD); In silico analysis supports that this missense variant does not alter protein structure/function; In silico analysis suggests this variant may impact gene splicing. In the absence of RNA/functional studies, the actual effect of this sequence change is unknown.; This variant is associated with the following publications: (PMID: 32376980)

NM_032271.3(TRAF7):c.1148A>C (p.Gln383Pro)

Gene: TRAF7 (TNF receptor associated factor 7; plus strand). Cytogenetic location: 16p13.3.
Variant type: single nucleotide variant.
Coding change: c.1148A>C on transcript NM_032271.3 (MANE Select); coding-DNA position 1148, A replaced by C.
Protein change: p.Gln383Pro; replaces glutamine 383 with proline.
Molecular consequence: missense variant.
Genome position (GRCh38, 1-based): chr16:2,173,933, A>C. VCF-style: chr16-2173933-A-C. GRCh37 (hg19) VCF-style: chr16-2223934-A-C.
Other names: short protein forms Q383P.
Identifiers: ClinVar variation 3253287 (VCV003253287.1), dbSNP rs2545007631.